The following is an entry in ClinVar:

ClinVar aggregate classification (germline): Benign/Likely benign. Review status: criteria provided, multiple submitters, no conflicts (2 of 4 stars). 4 submissions from 4 submitters: Benign (3); Likely benign (1). Last evaluated 2020-12-10.

Conditions:
Cardiomyopathy (CMYO). Also called: Cardiomyopathies. Identifiers: Orphanet 167848, MedGen C0878544, MONDO:0004994, HP:0001638. Inheritance: Various modes of inheritance.

Submissions (4):

CHEO Genetics Diagnostic Laboratory, Children's Hospital of Eastern Ontario
Classification: Benign for Cardiomyopathy. Last evaluated: 2020-12-10. Review status: criteria provided, single submitter. Criteria: ACMG Guidelines, 2015. Collection method: clinical testing. Allele origin: germline.

Dubai Health Genomic Medicine Center, Dubai Health
Classification: Benign. Last evaluated: 2020-02-11. Review status: criteria provided, single submitter. Criteria: ACMG Guidelines, 2015. Collection method: clinical testing. Allele origin: germline. Affected: yes.

GeneDx
Classification: Benign. Last evaluated: 2019-08-18. Review status: criteria provided, single submitter. Criteria: GeneDx Variant Classification Process June 2021. Collection method: clinical testing. Allele origin: germline. Affected: yes.

Laboratory for Molecular Medicine, Mass General Brigham Personalized Medicine
Classification: Likely benign. Last evaluated: 2011-12-09. Review status: criteria provided, single submitter. Criteria: LMM Criteria. Collection method: clinical testing. Allele origin: germline. Observed: 11 variant alleles.
Comment: 11092-12_11092-11delTT in intron 79 of RYR2: This variant is not expected to hav e clinical significance because it is located outside the conserved +/- 1, 2 reg ion of the splicing consensus sequence and as part of a polyT stretch.

NM_001035.3(RYR2):c.11092-11dup

Gene: RYR2 (ryanodine receptor 2; plus strand). Cytogenetic location: 1q43.
Variant type: Duplication.
Coding change: c.11092-11dup on transcript NM_001035.3 (MANE Select); 11 bases into the intron before coding-DNA position 11092, one base duplicated (T; older notation c.11092-11dupT).
Genome position (GRCh38, 1-based): chr1:237,742,285, T duplicated; the last of 15 consecutive T bases (chr1:237,742,271-237,742,285); duplicating any one gives the same sequence. VCF-style (leftmost placement, unchanged base first): chr1-237742270-C-CT. GRCh37 (hg19) VCF-style: chr1-237905570-C-CT.
Other names: c.11092-11dupT (NM_001035.2); c.11092-11_11092-10insT (NM_001035.2).
Identifiers: ClinVar variation 177986 (VCV000177986.11), dbSNP rs397516499, ClinGen allele CA006847.